The following is an entry in ClinVar:

NM_000257.4(MYH7):c.2714G>C (p.Cys905Ser)

Gene: MYH7 (myosin heavy chain 7; minus strand). Cytogenetic location: 14q11.2.
Variant type: single nucleotide variant.
Coding change: c.2714G>C on transcript NM_000257.4 (MANE Select); coding-DNA position 2714, G replaced by C.
Protein change: p.Cys905Ser; replaces cysteine 905 with serine.
Molecular consequence: missense variant.
Genome position (GRCh38, 1-based): chr14:23,424,115, C>G on the plus strand (G>C on the coding strand, the complement: MYH7 is on the minus strand). VCF-style: chr14-23424115-C-G. GRCh37 (hg19) VCF-style: chr14-23893324-C-G.
Other names: p.C905S:TGT>TCT; NM_000257.4(MYH7):c.2714G>C; p.Cys905Ser; c.2714G>C (LRG_384t1); short protein forms C905S.
Identifiers: ClinVar variation 181203 (VCV000181203.12), dbSNP rs730880757, ClinGen allele CA012920.

ClinVar aggregate classification (germline): Uncertain significance. Review status: reviewed by expert panel (3 of 4 stars). 4 submissions from 4 submitters: Uncertain significance (1). 3 of the submissions do not count toward it. Last evaluated 2021-09-22.

Conditions:
Cardiomyopathy (CMYO). Also called: Cardiomyopathies. Identifiers: Orphanet 167848, MedGen C0878544, MONDO:0004994, HP:0001638. Inheritance: Various modes of inheritance.
Hypertrophic cardiomyopathy. Also called: HYPERTROPHIC MYOCARDIOPATHY. Identifiers: Orphanet 217569, MedGen C0007194, MeSH D002312, MONDO:0005045, HP:0001639.

Submissions (4):

ClinGen Cardiomyopathy Variant Curation Expert Panel
Classification: Uncertain significance for Hypertrophic cardiomyopathy. Last evaluated: 2021-09-22. Review status: reviewed by expert panel. Criteria: ClinGen CMP ACMG Specifications v1. Collection method: curation. Allele origin: germline.
Comment: The NM_000257.4: c.2714G>C (p.Cys905Ser) variant in MYH7 has been reported in 1 individual with HCM (GeneDx pers. comm.); however this data is insufficient to apply the PS4 criterion. This variant was absent from large population studies (PM2;, v2.1.1). This variant lies in the head region of the protein (aa 181-937) and missense variants in this region are statistically more likely to be associated with HCM (PM1; Walsh 2017 PMID:27532257). Computational prediction tools and conservation analysis suggest that this variant may impact the protein (PP3). In summary, due to insufficient evidence, this variant is classified as uncertain significance for hypertrophic cardiomyopathy in an autosomal dominant manner. MYH7-specific ACMG/AMP criteria applied (Kelly 2018 PMID:29300372): PM2, PM1, PP3.

Labcorp Genetics (formerly Invitae), Labcorp
Classification: Likely pathogenic for Hypertrophic cardiomyopathy. Last evaluated: 2025-02-26. Review status: criteria provided, single submitter. Criteria: Invitae Variant Classification Sherloc (09022015). Collection method: clinical testing. Allele origin: germline. Not counted in ClinVar's aggregate classification.
Comment: This sequence change replaces cysteine, which is neutral and slightly polar, with serine, which is neutral and polar, at codon 905 of the MYH7 protein (p.Cys905Ser). This variant is not present in population databases (gnomAD no frequency). This variant has not been reported in the literature in individuals affected with MYH7-related conditions. ClinVar contains an entry for this variant (Variation ID: 181203). Invitae Evidence Modeling of protein sequence and biophysical properties (such as structural, functional, and spatial information, amino acid conservation, physicochemical variation, residue mobility, and thermodynamic stability) indicates that this missense variant is expected to disrupt MYH7 protein function with a positive predictive value of 95%. This variant disrupts the p.Cys905 amino acid residue in MYH7. Other variant(s) that disrupt this residue have been observed in individuals with MYH7-related conditions (PMID: 12974739, 22859017, 25132132), which suggests that this may be a clinically significant amino acid residue. In summary, the currently available evidence indicates that the variant is pathogenic, but additional data are needed to prove that conclusively. Therefore, this variant has been classified as Likely Pathogenic.

CHEO Genetics Diagnostic Laboratory, Children's Hospital of Eastern Ontario
Classification: Uncertain significance for Cardiomyopathy. Last evaluated: 2016-12-06. Review status: criteria provided, single submitter. Criteria: ACMG Guidelines, 2015. Collection method: clinical testing. Allele origin: germline. Study: Canadian Open Genetics Repository. Not counted in ClinVar's aggregate classification.

GeneDx
Classification: Pathogenic. Last evaluated: 2012-07-13. Review status: criteria provided, single submitter. Criteria: GeneDx Variant Classification (06012015). Collection method: clinical testing. Allele origin: germline. Affected: yes. Not counted in ClinVar's aggregate classification.
Comment: p.Cys905Ser (TGT>TCT): c.2714 G>C in exon 23 of the MYH7 gene (NM_000257.2). The Cys905Ser mutation in the MYH7 gene has not been reported as a disease-causing mutation or as a benign polymorphism to our knowledge. However, a mutation affecting this same codon, Cys905Phe, has been reported in association with HCM (Erdmann J et al., 2003). Mutations in nearby residues (Glu903Gly, Glu903Lys, Arg904Cys, Arg904His, Asp806Gly) have been reported in association with cardiomyopathy, further supporting the functional importance of this codon and this region of the protein. Cys905Ser results in a semi-conservative amino acid substitution which leads to a loss of a Cysteine, which may impact disulfide bond formation in the MYH7 protein. Furthermore, the NHLBI ESP Exome Variant Server reports Cys905Ser was not observed in approximately 6,500 samples from individuals of European and African American backgrounds, indicating it is not a common benign variant in these populations.In summary, Cys905Ser in the MYH7 gene is interpreted as a likely disease-causing mutation. The variant is found in HCM panel(s).

Literature cited by the submitters: PubMed 12974739 (cited by Labcorp Genetics (formerly Invitae), Labcorp); PubMed 22859017 (cited by Labcorp Genetics (formerly Invitae), Labcorp); PubMed 25132132 (cited by Labcorp Genetics (formerly Invitae), Labcorp).